The following is an entry in ClinVar:

NM_000553.6(WRN):c.2061G>T (p.Leu687Phe)

Gene: WRN (WRN RecQ like helicase; plus strand). Cytogenetic location: 8p12.
Variant type: single nucleotide variant.
Coding change: c.2061G>T on transcript NM_000553.6 (MANE Select); coding-DNA position 2061, G replaced by T.
Protein change: p.Leu687Phe; replaces leucine 687 with phenylalanine.
Molecular consequence: missense variant.
Genome position (GRCh38, 1-based): chr8:31,100,928, G>T. VCF-style: chr8-31100928-G-T. GRCh37 (hg19) VCF-style: chr8-30958444-G-T.
Other names: short protein forms L687F.
Identifiers: ClinVar variation 2813109 (VCV002813109.3), dbSNP rs2535951007, ClinGen allele CA370908837.
Genomic context (GRCh38, chr8:31,100,928, plus strand): 5'-GGATGAGGCTCACTGTATTTCTGAGTGGGGGCATGATTTTAGGGATTCATTCAGGAAGTT[G>T]GGCTCCCTAAAGACAGCACTGCCAATGGTAAGCTTTGCCAAGTCTGATGTCCCGAAATTA-3'
Protein context (NP_000544.2, residues 677-697): GHDFRDSFRK[Leu687Phe]GSLKTALPMV

ClinVar aggregate classification (germline): Uncertain significance (1 of 4 stars; one submission).

Conditions:
Werner syndrome (WRN). Identifiers: Orphanet 902, MedGen C0043119, MONDO:0010196, OMIM 277700.

Submission:

Labcorp Genetics (formerly Invitae), Labcorp
Classification: Uncertain significance for Werner syndrome. Last evaluated: 2022-11-09. Review status: criteria provided, single submitter. Criteria: Invitae Variant Classification Sherloc (09022015). Collection method: clinical testing. Allele origin: germline.
Comment: This sequence change replaces leucine, which is neutral and non-polar, with phenylalanine, which is neutral and non-polar, at codon 687 of the WRN protein (p.Leu687Phe). This variant is not present in population databases (gnomAD no frequency). This variant has not been reported in the literature in individuals affected with WRN-related conditions. Algorithms developed to predict the effect of missense changes on protein structure and function are either unavailable or do not agree on the potential impact of this missense change (SIFT: "Not Available"; PolyPhen-2: "Probably Damaging"; Align-GVGD: "Not Available"). In summary, the available evidence is currently insufficient to determine the role of this variant in disease. Therefore, it has been classified as a Variant of Uncertain Significance.